The following is an entry in ClinVar:

NM_017654.4(SAMD9):c.1252A>G (p.Asn418Asp)

Gene: SAMD9 (sterile alpha motif domain containing 9; minus strand). Cytogenetic location: 7q21.2.
Variant type: single nucleotide variant.
Coding change: c.1252A>G on transcript NM_017654.4 (MANE Select); coding-DNA position 1252, A replaced by G.
Protein change: p.Asn418Asp; replaces asparagine 418 with aspartic acid.
Molecular consequence: missense variant.
Genome position (GRCh38, 1-based): chr7:93,104,846, T>C on the plus strand (A>G on the coding strand, the complement: SAMD9 is on the minus strand). VCF-style: chr7-93104846-T-C. GRCh37 (hg19) VCF-style: chr7-92734159-T-C.
Other names: c.1252A>G, p.Asn418Asp (NM_001193307.2); c.1252A>G (NM_017654.3); short protein forms N418D.
Identifiers: ClinVar variation 1675124 (VCV001675124.4), dbSNP rs1455883160, ClinGen allele CA368198108.

ClinVar aggregate classification (germline): Uncertain significance. Review status: criteria provided, multiple submitters, no conflicts (2 of 4 stars). 3 submissions from 3 submitters: Uncertain significance (3). Last evaluated 2026-05-21.

Conditions:
Inborn genetic diseases. Identifiers: MedGen C0950123, MeSH D030342.
MIRAGE syndrome. Also called: MYELODYSPLASIA, INFECTION, RESTRICTION OF GROWTH, ADRENAL HYPOPLASIA, GENITAL PHENOTYPES, AND ENTEROPATHY. Identifiers: Orphanet 494433, MedGen C4284088, MONDO:0014888, OMIM 617053.
Normophosphatemic familial tumoral calcinosis. Also called: CALCINOSIS, TUMORAL, WITH NORMOPHOSPHATEMIA. Identifiers: Orphanet 306658, Orphanet 53715, MedGen C1864861, MONDO:0012502, OMIM 610455.
SAMD9-related disorder. Also called: SAMD9-related condition.

Allele frequency attached by ClinVar (database versions not stated): gnomAD exomes below 0.00001 and 0.00001.

Submissions (3):

Ambry Genetics
Classification: Uncertain significance for Inborn genetic diseases. Last evaluated: 2026-05-21. Review status: criteria provided, single submitter. Criteria: Ambry Variant Classification Scheme 2023. Collection method: clinical testing. Allele origin: germline.
Comment: The p.N418D variant (also known as c.1252A>G), located in coding exon 1 of the SAMD9 gene, results from an A to G substitution at nucleotide position 1252. The asparagine at codon 418 is replaced by aspartic acid, an amino acid with highly similar properties. This amino acid position is conserved. In addition, this alteration is predicted to be tolerated by in silico analysis. Based on the available evidence, the clinical significance of this variant remains unclear.

PreventionGenetics, part of Exact Sciences
Classification: Uncertain significance for SAMD9-related condition. Last evaluated: 2025-11-30. Review status: criteria provided, single submitter. Criteria: ACMG Guidelines, 2015. Collection method: clinical testing. Allele origin: germline.
Comment: The SAMD9 c.1252A>G variant is predicted to result in the amino acid substitution p.Asn418Asp. To our knowledge, this variant has not been reported in the literature. This variant is reported in 0.0033% of alleles in individuals of South Asian descent in gnomAD. At this time, the clinical significance of this variant is uncertain due to the absence of conclusive functional and genetic evidence.

Center for Genomics, Ann and Robert H. Lurie Children's Hospital of Chicago
Classification: Uncertain significance for MIRAGE syndrome; Normophosphatemic familial tumoral calcinosis. Review status: criteria provided, single submitter. Criteria: ACMG Guidelines, 2015. Collection method: clinical testing. Allele origin: germline.
Comment: SAMD9 NM_017654.3 exon 3 p.Asn418Asp (c.1252A>G): This variant has not been reported in the literature and is not present in large control databases. This variant amino acid Aspartic Acid (Asp) is present in 5 fish species potentially suggesting that this variant may not impact the protein; however, this variant is otherwise highly conserved. Additional computational prediction tools are unclear. In summary, data on this variant is insufficient for disease classification. Therefore, the clinical significance of this variant is uncertain.